The following is an entry in ClinVar:

ClinVar aggregate classification (germline): Uncertain significance (1 of 4 stars; one submission).

Conditions:
Hyperkalemic periodic paralysis. Also called: Familial hyperkalemic periodic paralysis; Gamstorp disease. Identifiers: Orphanet 682, MedGen C0238357, MONDO:0008224, OMIM 170500, HP:0007215.

Submission:

Labcorp Genetics (formerly Invitae), Labcorp
Classification: Uncertain significance for Hyperkalemic periodic paralysis. Last evaluated: 2023-02-01. Review status: criteria provided, single submitter. Criteria: Invitae Variant Classification Sherloc (09022015). Collection method: clinical testing. Allele origin: germline.
Comment: Information on the frequency of this variant in the gnomAD database is not available, as this variant may be reported differently in the database. This variant has not been reported in the literature in individuals affected with SCN4A-related conditions. Experimental studies and prediction algorithms are not available or were not evaluated, and the functional significance of this variant is currently unknown. In summary, the available evidence is currently insufficient to determine the role of this variant in disease. Therefore, it has been classified as a Variant of Uncertain Significance. This sequence change replaces serine, which is neutral and polar, with glycine, which is neutral and non-polar, at codon 524 of the SCN4A protein (p.Ser524Gly).

NM_000334.4(SCN4A):c.1569_1570inv (p.Ser524Gly)

Gene: SCN4A (sodium voltage-gated channel alpha subunit 4; minus strand). Cytogenetic location: 17q23.3.
Variant type: Inversion.
Coding change: c.1569_1570inv on transcript NM_000334.4 (MANE Select).
Protein change: p.Ser524Gly; replaces serine 524 with glycine.
Molecular consequence: missense variant.
Genome position: GRCh38 VCF-style: chr17-63963708-TG-CA. GRCh37 (hg19) VCF-style: chr17-62041068-TG-CA.
Other names: short protein forms S524G.
Identifiers: ClinVar variation 2727199 (VCV002727199.3), ClinGen allele CA2697555063.